The following is an entry in ClinVar:

ClinVar aggregate classification (germline): Conflicting classifications of pathogenicity. Review status: criteria provided, conflicting classifications (1 of 4 stars). 3 submissions from 3 submitters: Uncertain significance (2); Likely benign (1). Last evaluated 2025-05-14.

Conditions:
Familial thoracic aortic aneurysm and aortic dissection (TAAD). Also called: Thoracic aortic aneurysms and dissections. Identifiers: Orphanet 91387, MedGen C4707243, MONDO:0019625.
Congenital contractural arachnodactyly (CCA). Also called: Beals-Hecht syndrome; BEALS SYNDROME; Arthrogryposis, distal, type 9. Identifiers: Orphanet 115, MedGen C0220668, MONDO:0007363, OMIM 121050.

Allele frequency attached by ClinVar (database versions not stated): gnomAD 0.00001; ESP Exome Variant Server 0.00008; ExAC 0.00002; TOPMed 0.00002.
gnomAD v4.1: 13 of 1,613,810 alleles (0.00081%); highest among the groups gnomAD compares: Admixed American, 0.0067%; no homozygotes.

Submissions (3):

Labcorp Genetics (formerly Invitae), Labcorp
Classification: Likely benign for Congenital contractural arachnodactyly. Last evaluated: 2025-05-14. Review status: criteria provided, single submitter. Criteria: Invitae Variant Classification Sherloc (09022015). Collection method: clinical testing. Allele origin: germline.

Ambry Genetics
Classification: Uncertain significance for Familial thoracic aortic aneurysm and aortic dissection. Last evaluated: 2024-11-21. Review status: criteria provided, single submitter. Criteria: Ambry Variant Classification Scheme 2023. Collection method: clinical testing. Allele origin: germline.
Comment: The p.P1623A variant (also known as c.4867C>G), located in coding exon 37 of the FBN2 gene, results from a C to G substitution at nucleotide position 4867. The proline at codon 1623 is replaced by alanine, an amino acid with highly similar properties. This amino acid position is well conserved in available vertebrate species. In addition, the in silico prediction for this alteration is inconclusive. Based on the available evidence, the clinical significance of this variant remains unclear.

GeneDx
Classification: Uncertain significance. Last evaluated: 2015-01-07. Review status: criteria provided, single submitter. Criteria: GeneDx Variant Classification (06012015). Collection method: clinical testing. Allele origin: germline. Affected: yes.
Comment: p.Pro1623Ala (CCT>GCT): c.4867 C>G in exon 37 of the FBN2 gene (NM_001999.3) The P1623A variant has not been published as a mutation, nor has it been reported as a benign polymorphism to our knowledge. The P1623A variant was not observed with any significant frequency in approximately 6,500 individuals of European and African American ancestry in the NHLBI Exome Sequencing Project, indicating it is not a common benign variant in these populations. The P1623A variant is a semi-conservative amino acid substitution, which may impact secondary protein structure as these residues differ in some properties. This substitution occurs within the TGF-beta binding 6 domain at a position that is conserved in mammals. However, in silico analysis is inconsistent in its predictions as to whether or not the variant is damaging to the protein structure/function. Furthermore, no missense mutations in nearby residues have been reported in association with CCA, suggesting that this region of the protein is tolerant of change. Therefore, based on the currently available information, it is unclear whether this variant is a pathogenic mutation or a rare benign variant. This variant was found in TAADV2-1,FBN2

NM_001999.4(FBN2):c.4867C>G (p.Pro1623Ala)

Gene: FBN2 (fibrillin 2; minus strand). Cytogenetic location: 5q23.3.
Variant type: single nucleotide variant.
Coding change: c.4867C>G on transcript NM_001999.4 (MANE Select); coding-DNA position 4867, C replaced by G.
Protein change: p.Pro1623Ala; replaces proline 1623 with alanine.
Molecular consequence: missense variant.
Genome position (GRCh38, 1-based): chr5:128,312,646, G>C on the plus strand (C>G on the coding strand, the complement: FBN2 is on the minus strand). VCF-style: chr5-128312646-G-C. GRCh37 (hg19) VCF-style: chr5-127648338-G-C.
Other names: short protein forms P1623A.
Identifiers: ClinVar variation 213412 (VCV000213412.12), dbSNP rs139830237, ClinGen allele CA321369.